The following is an entry in ClinVar:

ClinVar aggregate classification (germline): Likely benign. Review status: criteria provided, multiple submitters, no conflicts (2 of 4 stars). 2 submissions from 2 submitters: Likely benign (2). Last evaluated 2024-01-07.

Conditions:
Mitochondrial trifunctional protein deficiency. Identifiers: Orphanet 746, MedGen C1969443, MONDO:0012172.
Long chain 3-hydroxyacyl-CoA dehydrogenase deficiency. Also called: Deficiency of long-chain 3-hydroxyacyl-coenzyme A dehydrogenase; LCHAD Deficiency. Identifiers: Orphanet 5, MedGen C3711645, MONDO:0012173, OMIM 609016.

Submissions (2):

Labcorp Genetics (formerly Invitae), Labcorp
Classification: Likely benign for Mitochondrial trifunctional protein deficiency; Long chain 3-hydroxyacyl-CoA dehydrogenase deficiency. Last evaluated: 2024-01-07. Review status: criteria provided, single submitter. Criteria: Invitae Variant Classification Sherloc (09022015). Collection method: clinical testing. Allele origin: germline.

CeGaT Center for Human Genetics Tuebingen
Classification: Likely benign. Last evaluated: 2024-01-01. Review status: criteria provided, single submitter. Criteria: CeGaT Center For Human Genetics Tuebingen Variant Classification Criteria Version 2. Collection method: clinical testing. Allele origin: germline. Affected: yes. Observed: 1 variant allele.
Comment: HADHA: PM2:Supporting, BP4, BP7

NM_000182.5(HADHA):c.1833T>C (p.Phe611=)

Genes: GAREM2 (GRB2 associated regulator of MAPK1 subtype 2; plus strand), HADHA (hydroxyacyl-CoA dehydrogenase trifunctional multienzyme complex subunit alpha; minus strand). Cytogenetic location: 2p23.3.
Variant type: single nucleotide variant.
Coding change: c.1833T>C on transcript NM_000182.5 (MANE Select); coding-DNA position 1833, T replaced by C.
Protein change: p.Phe611=; no amino-acid change (phenylalanine 611 retained).
Molecular consequence: synonymous variant.
Genome position (GRCh38, 1-based): chr2:26,193,629, A>G on the plus strand (T>C on the coding strand, the complement: HADHA is on the minus strand). VCF-style: chr2-26193629-A-G. GRCh37 (hg19) VCF-style: chr2-26416498-A-G.
Identifiers: ClinVar variation 2650739 (VCV002650739.27), dbSNP rs1006313329, ClinGen allele CA425200271.
Genomic context (GRCh38, chr2:26,193,629, plus strand): 5'-CTACTCACCTAGGAAGCCCTTGGACACCATCTGTGTCAGCAGTTCTGGGTTTCCACCTCC[A>G]AACCGCTCCCCAAAGACTTTGCCCAGATCTTCCGCCACATGTTTCGCTACATCCACACCA-3'
Protein context (NP_000173.2, residues 601-621): EDLGKVFGER[Phe611=]GGGNPELLTQ